The following is an entry in ClinVar:

NM_002336.3(LRP6):c.2543C>T (p.Thr848Met)

Gene: LRP6 (LDL receptor related protein 6; minus strand). Cytogenetic location: 12p13.2.
Variant type: single nucleotide variant.
Coding change: c.2543C>T on transcript NM_002336.3 (MANE Select); coding-DNA position 2543, C replaced by T.
Protein change: p.Thr848Met; replaces threonine 848 with methionine.
Molecular consequence: missense variant. On other transcripts: non-coding transcript variant (1).
Genome position (GRCh38, 1-based): chr12:12,159,077, G>A on the plus strand (C>T on the coding strand, the complement: LRP6 is on the minus strand). VCF-style: chr12-12159077-G-A. GRCh37 (hg19) VCF-style: chr12-12312011-G-A.
Other names: c.2543C>T (NM_002336.2); c.2543C>T, p.Thr848Met (NM_001414244.1, NM_001414245.1, NM_001414246.1 and 4 more transcripts); c.2345C>T, p.Thr782Met (NM_001414247.1); c.2090C>T, p.Thr697Met (NM_001414252.1, NM_001414253.1, NM_001414254.1); c.2036C>T, p.Thr679Met (NM_001414255.1); short protein forms T679M, T782M, T697M, T848M.
Identifiers: ClinVar variation 4692500 (VCV004692500.2).

ClinVar aggregate classification (germline): Uncertain significance. Review status: criteria provided, multiple submitters, no conflicts (2 of 4 stars). 2 submissions from 2 submitters: Uncertain significance (2). Last evaluated 2026-02-17.

Conditions:
Inborn genetic diseases. Identifiers: MedGen C0950123, MeSH D030342.

gnomAD v4.1: 3 of 1,614,106 alleles (0.00019%); highest among the groups gnomAD compares: South Asian, 0.0011%; no homozygotes.

Submissions (2):

Ambry Genetics
Classification: Uncertain significance for Inborn genetic diseases. Last evaluated: 2026-02-17. Review status: criteria provided, single submitter. Criteria: Ambry Variant Classification Scheme 2023. Collection method: clinical testing. Allele origin: germline.

Labcorp Genetics (formerly Invitae), Labcorp
Classification: Uncertain significance. Last evaluated: 2025-12-22. Review status: criteria provided, single submitter. Criteria: Invitae Variant Classification Sherloc (09022015). Collection method: clinical testing. Allele origin: germline.
Comment: This sequence change replaces threonine, which is neutral and polar, with methionine, which is neutral and non-polar, at codon 848 of the LRP6 protein (p.Thr848Met). This variant is not present in population databases (gnomAD no frequency). This variant has not been reported in the literature in individuals affected with LRP6-related conditions. Invitae Evidence Modeling of protein sequence and biophysical properties (such as structural, functional, and spatial information, amino acid conservation, physicochemical variation, residue mobility, and thermodynamic stability) has been performed for this missense variant. However, the output from this modeling did not meet the statistical confidence thresholds required to predict the impact of this variant on LRP6 protein function. In summary, the available evidence is currently insufficient to determine the role of this variant in disease. Therefore, it has been classified as a Variant of Uncertain Significance.